The following is an entry in ClinVar:

ClinVar aggregate classification (germline): Uncertain significance. Review status: criteria provided, multiple submitters, no conflicts (2 of 4 stars). 2 submissions from 2 submitters: Uncertain significance (2). Last evaluated 2026-07-30.

Conditions:
Hereditary cancer-predisposing syndrome. Also called: Neoplastic Syndromes, Hereditary; Hereditary Cancer Syndrome; Hereditary neoplastic syndrome; Tumor predisposition. Identifiers: Orphanet 140162, MedGen C0027672, MeSH D009386, MONDO:0015356.

Submissions (2):

Ambry Genetics
Classification: Uncertain significance for Hereditary cancer-predisposing syndrome. Last evaluated: 2026-07-30. Review status: criteria provided, single submitter. Criteria: Ambry Variant Classification Scheme 2023. Collection method: clinical testing. Allele origin: germline.
Comment: The c.1626+5T>G intronic variant results from a T to G substitution 5 nucleotides after coding exon 12 in the APC gene. This nucleotide position is not well conserved in available vertebrate species. In silico splice site analysis predicts that this alteration will not have any significant effect on splicing. Based on the available evidence, the clinical significance of this variant remains unclear.

Color Diagnostics, LLC DBA Color Health
Classification: Uncertain significance for Hereditary cancer-predisposing syndrome. Last evaluated: 2019-06-16. Review status: criteria provided, single submitter. Criteria: ACMG Guidelines, 2015. Collection method: clinical testing. Allele origin: germline.

NM_000038.6(APC):c.1626+5T>G

Gene: APC (APC regulator of Wnt signaling pathway; plus strand). Cytogenetic location: 5q22.2.
Variant type: single nucleotide variant.
Coding change: c.1626+5T>G on transcript NM_000038.6 (MANE Select); 5 bases into the intron after coding-DNA position 1626, T replaced by G.
Molecular consequence: intron variant.
Genome position (GRCh38, 1-based): chr5:112,828,011, T>G. VCF-style: chr5-112828011-T-G. GRCh37 (hg19) VCF-style: chr5-112163708-T-G.
Other names: c.1626+5T>G (NM_001354895.2, NM_001127510.3); c.1656+5T>G (NM_001354897.2); c.1353+5T>G (NM_001354902.2); c.1572+5T>G (NM_001127511.3); c.1551+5T>G (NM_001354898.2); c.1248+5T>G (NM_001354904.2); c.777+5T>G (NM_001354906.2); c.1680+5T>G (NM_001354896.2); and 5 more.
Identifiers: ClinVar variation 629404 (VCV000629404.4), dbSNP rs1561555947, ClinGen allele CA913188154.